The following is an entry in ClinVar:

NM_032217.5(ANKRD17):c.2853G>A (p.Ala951=)

Gene: ANKRD17 (ankyrin repeat domain 17; minus strand). Cytogenetic location: 4q13.3.
Variant type: single nucleotide variant.
Coding change: c.2853G>A on transcript NM_032217.5 (MANE Select); coding-DNA position 2853, G replaced by A.
Protein change: p.Ala951=; no amino-acid change (alanine 951 retained).
Molecular consequence: synonymous variant. On other transcripts: intron variant (1).
Genome position (GRCh38, 1-based): chr4:73,139,763, C>T on the plus strand (G>A on the coding strand, the complement: ANKRD17 is on the minus strand). VCF-style: chr4-73139763-C-T. GRCh37 (hg19) VCF-style: chr4-74005480-C-T.
Other names: c.2514G>A, p.Ala838= (NM_001286771.3); c.2853G>A, p.Ala951= (NM_015574.2); c.2332+1978G>A (NM_198889.3).
Identifiers: ClinVar variation 2654820 (VCV002654820.24), dbSNP rs149164407, ClinGen allele CA2958674.

ClinVar aggregate classification (germline): Benign (1 of 4 stars; one submission).

Allele frequency attached by ClinVar (database versions not stated): 1000 Genomes Project 0.00359; 1000 Genomes Project 30x 0.00406; ESP Exome Variant Server 0.00408.
gnomAD v4.1: 927 of 1,614,118 alleles (0.057%); highest among the groups gnomAD compares: African/African-American, 0.92%; 5 homozygotes.

Submission:

CeGaT Center for Human Genetics Tuebingen
Classification: Benign. Last evaluated: 2022-04-01. Review status: criteria provided, single submitter. Criteria: CeGaT Center For Human Genetics Tuebingen Variant Classification Criteria Version 2. Collection method: clinical testing. Allele origin: germline. Affected: yes. Observed: 1 variant allele.
Comment: ANKRD17: BS1, BS2